The following is an entry in ClinVar:

ClinVar aggregate classification (germline): Uncertain significance (1 of 4 stars; one submission).

Conditions:
Early-infantile DEE. Also called: Early infantile epileptic encephalopathy with suppression bursts; Early infantile epileptic encephalopathy; Ohtahara syndrome. Identifiers: Orphanet 1934, MedGen C0393706, MONDO:0800491.

Allele frequency attached by ClinVar (database versions not stated): gnomAD exomes below 0.00001.
gnomAD v4.1: 1 of 1,609,146 alleles (0.000062%); highest among the groups gnomAD compares: Non-Finnish European, 0.000085%; no homozygotes.

Submission:

Labcorp Genetics (formerly Invitae), Labcorp
Classification: Uncertain significance for Early-infantile DEE. Last evaluated: 2021-11-11. Review status: criteria provided, single submitter. Criteria: Invitae Variant Classification Sherloc (09022015). Collection method: clinical testing. Allele origin: germline.
Comment: In summary, the available evidence is currently insufficient to determine the role of this variant in disease. Therefore, it has been classified as a Variant of Uncertain Significance. Algorithms developed to predict the effect of missense changes on protein structure and function (SIFT, PolyPhen-2, Align-GVGD) all suggest that this variant is likely to be tolerated. This variant has not been reported in the literature in individuals affected with SCN8A-related conditions. This variant is not present in population databases (gnomAD no frequency). This sequence change replaces valine, which is neutral and non-polar, with isoleucine, which is neutral and non-polar, at codon 703 of the SCN8A protein (p.Val703Ile).

NM_001330260.2(SCN8A):c.2107G>A (p.Val703Ile)

Gene: SCN8A (sodium voltage-gated channel alpha subunit 8; plus strand). Cytogenetic location: 12q13.13.
Variant type: single nucleotide variant.
Coding change: c.2107G>A on transcript NM_001330260.2 (MANE Select); coding-DNA position 2107, G replaced by A.
Protein change: p.Val703Ile; replaces valine 703 with isoleucine.
Molecular consequence: missense variant.
Genome position (GRCh38, 1-based): chr12:51,746,011, G>A. VCF-style: chr12-51746011-G-A. GRCh37 (hg19) VCF-style: chr12-52139795-G-A.
Other names: c.2107G>A, p.Val703Ile (NM_001177984.3, NM_001369788.1, NM_014191.4); short protein forms V703I.
Identifiers: ClinVar variation 1386630 (VCV001386630.7), dbSNP rs1592140302, ClinGen allele CA384878955.